The following is an entry in ClinVar:

NM_005609.4(PYGM):c.1466C>G (p.Pro489Arg)

Gene: PYGM (glycogen phosphorylase, muscle associated; minus strand). Cytogenetic location: 11q13.1.
Variant type: single nucleotide variant.
Coding change: c.1466C>G on transcript NM_005609.4 (MANE Select); coding-DNA position 1466, C replaced by G.
Protein change: p.Pro489Arg; replaces proline 489 with arginine.
Molecular consequence: missense variant.
Genome position (GRCh38, 1-based): chr11:64,753,125, G>C on the plus strand (C>G on the coding strand, the complement: PYGM is on the minus strand). VCF-style: chr11-64753125-G-C. GRCh37 (hg19) VCF-style: chr11-64520597-G-C.
Other names: c.1202C>G, p.Pro401Arg (NM_001164716.1); short protein forms P489R, P401R.
Identifiers: ClinVar variation 95291 (VCV000095291.25), dbSNP rs398124209, ClinGen allele CA222882.

ClinVar aggregate classification (germline): Pathogenic/Likely pathogenic. Review status: criteria provided, multiple submitters, no conflicts (2 of 4 stars). 9 submissions from 9 submitters: Pathogenic (6); Likely pathogenic (3). Last evaluated 2025-12-16.

Conditions:
Glycogen storage disease, type V (GSD5). Also called: MUSCLE GLYCOGEN PHOSPHORYLASE DEFICIENCY; MYOPHOSPHORYLASE DEFICIENCY; PYGM DEFICIENCY; McArdle type glycogen storage disease; MCARDLE DISEASE. Identifiers: Orphanet 368, MedGen C0017924, MONDO:0009293, OMIM 232600.

Allele frequency attached by ClinVar (database versions not stated): gnomAD exomes below 0.00001; TOPMed 0.00002; gnomAD 0.00004.
gnomAD v4.1: 121 of 1,614,016 alleles (0.0075%); highest among the groups gnomAD compares: Non-Finnish European, 0.0095%; no homozygotes.

Submissions (9):

GeneDx
Classification: Pathogenic. Last evaluated: 2025-12-16. Review status: criteria provided, single submitter. Criteria: GeneDx Variant Classification Process June 2021. Collection method: clinical testing. Allele origin: germline. Affected: yes.
Comment: In silico analysis supports that this missense variant has a deleterious effect on protein structure/function; Not observed at significant frequency in large population cohorts (gnomAD); This variant is associated with the following publications: (PMID: 19472443, 21658951, 25914343, 34534370, 40718250)

Natera, Inc.
Classification: Likely pathogenic for Glycogen storage disease V. Last evaluated: 2025-12-10. Review status: criteria provided, single submitter. Criteria: Natera Variant Classification Schema (03/2026). Collection method: clinical testing. Allele origin: germline.
Comment: The c.1466C>G variant in PYGM is a missense variant predicted to cause substitution of proline to arginine at amino acid 489. This variant is rare in the general population with a frequency below the threshold expected for the associated phenotype(s). This variant has been observed in one or more individuals affected with the associated recessive disease, as either homozygous or compound heterozygous with a second variant (PMID: 34534370, 25914343, 29749052, 17324573, 40718250). Computational prediction algorithms indicate this variant is likely to affect gene or protein function. Given the available evidence, this variant is classified as Likely Pathogenic.

Labcorp Genetics (formerly Invitae), Labcorp
Classification: Pathogenic for Glycogen storage disease, type V. Last evaluated: 2025-10-02. Review status: criteria provided, single submitter. Criteria: Invitae Variant Classification Sherloc (09022015). Collection method: clinical testing. Allele origin: germline.
Comment: This sequence change replaces proline, which is neutral and non-polar, with arginine, which is basic and polar, at codon 489 of the PYGM protein (p.Pro489Arg). This variant is present in population databases (rs398124209, gnomAD 0.002%). This missense change has been observed in individual(s) with McArdle disease (PMID: 19472443, 21658951). It has also been observed to segregate with disease in related individuals. This variant is also known as Pro488Arg. ClinVar contains an entry for this variant (Variation ID: 95291). Invitae Evidence Modeling of protein sequence and biophysical properties (such as structural, functional, and spatial information, amino acid conservation, physicochemical variation, residue mobility, and thermodynamic stability) indicates that this missense variant is expected to disrupt PYGM protein function with a positive predictive value of 95%. For these reasons, this variant has been classified as Pathogenic.

Fulgent Genetics
Classification: Likely pathogenic for Glycogen storage disease, type V. Last evaluated: 2024-04-06. Review status: criteria provided, single submitter. Criteria: ACMG Guidelines, 2015. Collection method: clinical testing. Allele origin: germline.

Revvity Omics, Revvity
Classification: Pathogenic for Glycogen storage disease, type V. Last evaluated: 2024-01-05. Review status: criteria provided, single submitter. Criteria: ACMG Guidelines, 2015. Collection method: clinical testing. Allele origin: germline.

Baylor Genetics
Classification: Likely pathogenic for Glycogen storage disease, type V. Last evaluated: 2023-12-19. Review status: criteria provided, single submitter. Criteria: ACMG Guidelines, 2015. Collection method: clinical testing. Allele origin: unknown.

Molecular Genetics, Royal Melbourne Hospital
Classification: Pathogenic for Glycogen storage disease, type V. Last evaluated: 2022-12-04. Review status: criteria provided, single submitter. Criteria: ACMG Guidelines, 2015. Collection method: clinical testing. Allele origin: germline. Affected: yes.
Comment: This sequence change in PYGM is predicted to replace proline with arginine at codon 489, p.(Pro489Arg). The proline residue is highly conserved (100 vertebrates, UCSC), and is not located in an annotated domain. There is a large physicochemical difference between proline and arginine. The highest population minor allele frequency in the population database gnomAD v2.1 is 0.002% (3/129,186 alleles) in the European (non-Finnish) population, which is consistent with recessive disease. This variant has been detected compound heterozygous with a second pathogenic variant in multiple individuals with a clinical diagnosis of glycogen storage disease type V (PMID: 19472443, 34534370). Multiple lines of computational evidence predict a deleterious effect for the missense substitution (6/6 algorithms). Based on the classification scheme RMH Modified ACMG Guidelines v1.5.1, this variant is classified as PATHOGENIC. Following criteria are met: PM3_VeryStrong, PM2_Supporting, PP3.

Department of Pathology and Laboratory Medicine, Sinai Health System
Classification: Pathogenic for Glycogen storage disease, type V. Last evaluated: 2022-11-01. Review status: criteria provided, single submitter. Criteria: ACMG Guidelines, 2015. Collection method: research. Allele origin: germline.

Eurofins Ntd Llc (ga)
Classification: Pathogenic. Last evaluated: 2013-09-20. Review status: criteria provided, single submitter. Criteria: EGL Classification Definitions. Collection method: clinical testing. Allele origin: germline. Observed: 4 variant alleles, 4 heterozygotes.

Literature cited by the submitters: PubMed 34534370 (cited by Natera, Inc. and Molecular Genetics, Royal Melbourne Hospital); PubMed 25914343 (cited by Natera, Inc.); PubMed 29749052 (cited by Natera, Inc.); PubMed 17324573 (cited by Natera, Inc.); PubMed 40718250 (cited by Natera, Inc.); PubMed 19472443 (cited by Labcorp Genetics (formerly Invitae), Labcorp and Molecular Genetics, Royal Melbourne Hospital); PubMed 21658951 (cited by Labcorp Genetics (formerly Invitae), Labcorp).